The following is an entry in ClinVar:

ClinVar aggregate classification (germline): Uncertain significance (1 of 4 stars; one submission).

Conditions:
Familial meningioma. Also called: Meningioma, familial, susceptibility to. Identifiers: Orphanet 263662, MedGen C3551915, MONDO:0011789, OMIM 607174.

Submission:

Labcorp Genetics (formerly Invitae), Labcorp
Classification: Uncertain significance for Familial meningioma. Last evaluated: 2024-07-23. Review status: criteria provided, single submitter. Criteria: Invitae Variant Classification Sherloc (09022015). Collection method: clinical testing. Allele origin: germline.
Comment: This sequence change replaces glutamine, which is neutral and polar, with glutamic acid, which is acidic and polar, at codon 253 of the SMARCE1 protein (p.Gln253Glu). This variant is not present in population databases (gnomAD no frequency). This variant has not been reported in the literature in individuals affected with SMARCE1-related conditions. Advanced modeling of protein sequence and biophysical properties (such as structural, functional, and spatial information, amino acid conservation, physicochemical variation, residue mobility, and thermodynamic stability) performed at Invitae indicates that this missense variant is not expected to disrupt SMARCE1 protein function with a negative predictive value of 80%. In summary, the available evidence is currently insufficient to determine the role of this variant in disease. Therefore, it has been classified as a Variant of Uncertain Significance.

NM_003079.5(SMARCE1):c.757C>G (p.Gln253Glu)

Gene: SMARCE1 (SWI/SNF related BAF chromatin remodeling complex subunit E1; minus strand). Cytogenetic location: 17q21.2.
Variant type: single nucleotide variant.
Coding change: c.757C>G on transcript NM_003079.5 (MANE Select); coding-DNA position 757, C replaced by G.
Protein change: p.Gln253Glu; replaces glutamine 253 with glutamic acid.
Molecular consequence: missense variant.
Genome position (GRCh38, 1-based): chr17:40,631,651, G>C on the plus strand (C>G on the coding strand, the complement: SMARCE1 is on the minus strand). VCF-style: chr17-40631651-G-C. GRCh37 (hg19) VCF-style: chr17-38787903-G-C.
Other names: short protein forms Q253E.
Identifiers: ClinVar variation 3658259 (VCV003658259.2).